The following is an entry in ClinVar:

ClinVar aggregate classification (germline): Benign/Likely benign. Review status: criteria provided, multiple submitters, no conflicts (2 of 4 stars). 5 submissions from 5 submitters: Benign (3); Likely benign (1). 1 of the submissions does not count toward it. Last evaluated 2025-12-03.

Conditions:
RPS6KA3-related disorder. Also called: RPS6KA3-related condition.
Inborn genetic diseases. Identifiers: MedGen C0950123, MeSH D030342.
Coffin-Lowry syndrome (CLS). Also called: Mental retardation with osteocartilaginous abnormalities; COFFIN-LOWRY SYNDROME, MILD. Identifiers: Orphanet 192, MedGen C0265252, MONDO:0010561, OMIM 303600.
Intellectual developmental disorder, X-linked 19. Also called: Intellectual disability, X-linked 19. Identifiers: Orphanet 777, MedGen C0796225, MONDO:0010447, OMIM 300844.

Allele frequency attached by ClinVar (database versions not stated): gnomAD exomes 0.00020; TOPMed 0.00077; 1000 Genomes Project 30x 0.00021; gnomAD 0.00073 and 0.00063; ESP Exome Variant Server 0.00114; 1000 Genomes Project 0.00026; ExAC 0.00022.
gnomAD v4.1: 137 of 1,157,963 alleles (0.012%); highest among the groups gnomAD compares: African/African-American, 0.24%; no homozygotes.

Submissions (5):

Labcorp Genetics (formerly Invitae), Labcorp
Classification: Benign for Coffin-Lowry syndrome; Intellectual developmental disorder, X-linked 19. Last evaluated: 2025-12-03. Review status: criteria provided, single submitter. Criteria: Invitae Variant Classification Sherloc (09022015). Collection method: clinical testing. Allele origin: germline.

GeneDx
Classification: Benign. Last evaluated: 2020-04-06. Review status: criteria provided, single submitter. Criteria: GeneDx Variant Classification Process June 2021. Collection method: clinical testing. Allele origin: germline. Affected: yes.

Ambry Genetics
Classification: Benign for Inborn genetic diseases. Last evaluated: 2017-09-21. Review status: criteria provided, single submitter. Criteria: Ambry Variant Classification Scheme 2023. Collection method: clinical testing. Allele origin: germline.

Eurofins Ntd Llc (ga)
Classification: Likely benign. Last evaluated: 2016-04-19. Review status: criteria provided, single submitter. Criteria: EGL Classification Definitions 2015. Collection method: clinical testing. Allele origin: germline. Observed: 1 variant allele, 1 heterozygote.

PreventionGenetics, part of Exact Sciences
Classification: Likely benign for RPS6KA3-related condition. Last evaluated: 2021-08-11. Review status: no assertion criteria provided. Collection method: clinical testing. Allele origin: germline. Not counted in ClinVar's aggregate classification.
Comment: This variant is classified as likely benign based on ACMG/AMP sequence variant interpretation guidelines (Richards et al. 2015 PMID: 25741868, with internal and published modifications).

NM_004586.3(RPS6KA3):c.1884A>T (p.Glu628Asp)

Gene: RPS6KA3 (ribosomal protein S6 kinase A3; minus strand). Cytogenetic location: Xp22.12.
Variant type: single nucleotide variant.
Coding change: c.1884A>T on transcript NM_004586.3 (MANE Select); coding-DNA position 1884, A replaced by T.
Protein change: p.Glu628Asp; replaces glutamic acid 628 with aspartic acid.
Molecular consequence: missense variant.
Genome position (GRCh38, 1-based): chrX:20,161,719, T>A on the plus strand (A>T on the coding strand, the complement: RPS6KA3 is on the minus strand). VCF-style: chrX-20161719-T-A. GRCh37 (hg19) VCF-style: chrX-20179837-T-A.
Other names: short protein forms E628D.
Identifiers: ClinVar variation 287016 (VCV000287016.18), dbSNP rs150107747, ClinGen allele CA10366053.